The following is an entry in ClinVar:

ClinVar aggregate classification (germline): Benign/Likely benign. Review status: criteria provided, multiple submitters, no conflicts (2 of 4 stars). 3 submissions from 3 submitters: Benign (1); Likely benign (2). Last evaluated 2025-08-19.

Conditions:
KLF11-related disorder. Also called: KLF11-related condition.
Maturity-onset diabetes of the young type 7 (MODY7). Identifiers: Orphanet 552, MedGen C1864839, MONDO:0012513, OMIM 610508.

Allele frequency attached by ClinVar (database versions not stated): ExAC 0.00016; gnomAD exomes 0.00019 and 0.00032; TOPMed 0.00019; gnomAD 0.00023.

Submissions (3):

PreventionGenetics, part of Exact Sciences
Classification: Likely benign for KLF11-related condition. Last evaluated: 2025-08-19. Review status: criteria provided, single submitter. Criteria: ACMG Guidelines, 2015. Collection method: clinical testing. Allele origin: germline.
Comment: This variant is classified as likely benign based on ACMG/AMP sequence variant interpretation guidelines (Richards et al. 2015 PMID: 25741868, with internal and published modifications).

Women's Health and Genetics/Laboratory Corporation of America, LabCorp
Classification: Likely benign. Last evaluated: 2023-06-21. Review status: criteria provided, single submitter. Criteria: LabCorp Variant Classification Summary - May 2015. Collection method: clinical testing. Allele origin: germline.
Comment: Variant summary: KLF11 c.1448C>T (p.Pro483Leu) results in a non-conservative amino acid change in the encoded protein sequence. Three of five in-silico tools predict a damaging effect of the variant on protein function. The variant allele was found at a frequency of 0.00019 in 251334 control chromosomes. The observed variant frequency is approximately 3119.36 fold of the estimated maximal expected allele frequency for a pathogenic variant in KLF11 causing Monogenic Diabetes phenotype (6.3e-08), strongly suggesting that the variant is benign. c.1448C>T has been reported in the literature in individuals affected with KLF11-related conditions without strong evidence for causality, as well as in at least two unaffected control individuals (e.g. Dron_2020, Bonnefond_2020). To our knowledge, no experimental evidence demonstrating an impact on protein function has been reported. The following publications have been ascertained in the context of this evaluation (PMID: 33046911, 32041611). One submitter has cited clinical-significance assessments for this variant to ClinVar after 2014 and has classified the variant as benign. Based on the evidence outlined above, the variant was classified as likely benign.

Illumina Laboratory Services, Illumina
Classification: Benign for Maturity-onset diabetes of the young type 7. Last evaluated: 2018-02-20. Review status: criteria provided, single submitter. Criteria: ICSL Variant Classification Criteria 13 December 2019. Collection method: clinical testing. Allele origin: germline.
Comment: This variant was observed as part of a predisposition screen in an ostensibly healthy population. A literature search was performed for the gene, cDNA change, and amino acid change (where applicable). No publications were found based on this search. Allele frequency data from public databases was too high to be consistent with this variant causing disease. Therefore, this variant is classified as benign.

Literature cited by the submitters: PubMed 33046911 (cited by Women's Health and Genetics/Laboratory Corporation of America, LabCorp); PubMed 32041611 (cited by Women's Health and Genetics/Laboratory Corporation of America, LabCorp).

NM_003597.5(KLF11):c.1448C>T (p.Pro483Leu)

Gene: KLF11 (KLF transcription factor 11; plus strand). Cytogenetic location: 2p25.1.
Variant type: single nucleotide variant.
Coding change: c.1448C>T on transcript NM_003597.5 (MANE Select); coding-DNA position 1448, C replaced by T.
Protein change: p.Pro483Leu; replaces proline 483 with leucine.
Molecular consequence: missense variant.
Genome position (GRCh38, 1-based): chr2:10,052,416, C>T. VCF-style: chr2-10052416-C-T. GRCh37 (hg19) VCF-style: chr2-10192543-C-T.
Other names: c.1397C>T, p.Pro466Leu (NM_001177716.2, NM_001177718.2); short protein forms P483L, P466L.
Identifiers: ClinVar variation 330640 (VCV000330640.7), dbSNP rs201735305, ClinGen allele CA1525790.